The following is an entry in ClinVar:

NM_021978.4(ST14):c.315C>T (p.Tyr105=)

Gene: ST14 (ST14 transmembrane serine protease matriptase; plus strand). Cytogenetic location: 11q24.3.
Variant type: single nucleotide variant.
Coding change: c.315C>T on transcript NM_021978.4 (MANE Select); coding-DNA position 315, C replaced by T.
Protein change: p.Tyr105=; no amino-acid change (tyrosine 105 retained).
Molecular consequence: synonymous variant.
Genome position (GRCh38, 1-based): chr11:130,188,603, C>T. VCF-style: chr11-130188603-C-T. GRCh37 (hg19) VCF-style: chr11-130058498-C-T.
Identifiers: ClinVar variation 781052 (VCV000781052.12), dbSNP rs62642512, ClinGen allele CA6363484.

ClinVar aggregate classification (germline): Benign. Review status: criteria provided, multiple submitters, no conflicts (2 of 4 stars). 3 submissions from 3 submitters: Benign (3). Last evaluated 2026-06-12.

Conditions:
ST14-related disorder. Also called: ST14-related condition.

Allele frequency attached by ClinVar (database versions not stated): gnomAD exomes 0.00096 and 0.00222; ExAC 0.00243; 1000 Genomes Project 0.00539; 1000 Genomes Project 30x 0.00671; ESP Exome Variant Server 0.00700; gnomAD 0.00715 and 0.00756; TOPMed 0.00811.
gnomAD v4.1: 2,546 of 1,614,200 alleles (0.16%); highest among the groups gnomAD compares: African/African-American, 2.3%; 25 homozygotes.

Submissions (3):

PreventionGenetics, part of Exact Sciences
Classification: Benign for ST14-related condition. Last evaluated: 2026-06-12. Review status: criteria provided, single submitter. Criteria: ACMG Guidelines, 2015. Collection method: clinical testing. Allele origin: germline.
Comment: This variant is classified as benign based on ACMG/AMP sequence variant interpretation guidelines (Richards et al. 2015 PMID: 25741868, with internal and published modifications).

Labcorp Genetics (formerly Invitae), Labcorp
Classification: Benign. Last evaluated: 2025-10-27. Review status: criteria provided, single submitter. Criteria: Invitae Variant Classification Sherloc (09022015). Collection method: clinical testing. Allele origin: germline.

Breakthrough Genomics
Classification: Benign. Review status: criteria provided, single submitter. Criteria: ACMG Guidelines, 2015. Collection method: not provided. Allele origin: germline. Inheritance: Autosomal recessive inheritance. Affected: yes.